The following is an entry in ClinVar:

NM_001042492.3(NF1):c.7017_7031del (p.Glu2339_Thr2344delinsAsp)

Gene: NF1 (neurofibromin 1; plus strand). Cytogenetic location: 17q11.2.
Variant type: Deletion.
Coding change: c.7017_7031del on transcript NM_001042492.3 (MANE Select); coding-DNA positions 7017 to 7031, 15 bases deleted (ACAAAACCTGCATAC).
Protein change: p.Glu2339_Thr2344delinsAsp.
Molecular consequence: inframe indel.
Genome position (GRCh38, 1-based): chr17:31,340,600-31,340,614, ACAAAACCTGCATAC deleted. VCF-style (leftmost placement, unchanged base first): chr17-31340599-AACAAAACCTGCATAC-A. GRCh37 (hg19) VCF-style: chr17-29667617-AACAAAACCTGCATAC-A.
Other names: c.6954_6968del, p.Glu2318_Thr2323delinsAsp (NM_000267.4).
Identifiers: ClinVar variation 4719337 (VCV004719337.1).

ClinVar aggregate classification (germline): Pathogenic (1 of 4 stars; one submission).

Conditions:
Neurofibromatosis, type 1 (NF1). Also called: NEUROFIBROMATOSIS, TYPE I, SOMATIC; VON RECKLINGHAUSEN DISEASE; Peripheral type neurofibromatosis; Neurofibromatosis, type I. Identifiers: Orphanet 636, MedGen C0027831, MONDO:0018975, OMIM 162200. Disease mechanism: loss of function.

Submission:

Labcorp Genetics (formerly Invitae), Labcorp
Classification: Pathogenic for Neurofibromatosis, type 1. Last evaluated: 2025-05-11. Review status: criteria provided, single submitter. Criteria: Invitae Variant Classification Sherloc (09022015). Collection method: clinical testing. Allele origin: germline.
Comment: This variant, c.6954_6968del, is a complex sequence change that results in the deletion of 6 and insertion of 1 amino acid(s) in the NF1 protein (p.Glu2318_Thr2323delinsAsp). This variant is not present in population databases (gnomAD no frequency). This variant has not been reported in the literature in individuals affected with NF1-related conditions. This variant disrupts a region of the NF1 protein in which other variant(s) (p.Leu2321Pro) have been determined to be pathogenic (internal data). This suggests that this is a clinically significant region of the protein, and that variants that disrupt it are likely to be disease-causing. For these reasons, this variant has been classified as Pathogenic.